The following is an entry in ClinVar:

ClinVar aggregate classification (germline): Uncertain significance (1 of 4 stars; one submission).

Submission:

Labcorp Genetics (formerly Invitae), Labcorp
Classification: Uncertain significance. Last evaluated: 2022-08-22. Review status: criteria provided, single submitter. Criteria: Invitae Variant Classification Sherloc (09022015). Collection method: clinical testing. Allele origin: germline.
Comment: In summary, the available evidence is currently insufficient to determine the role of this variant in disease. Therefore, it has been classified as a Variant of Uncertain Significance. Experimental studies and prediction algorithms are not available or were not evaluated, and the functional significance of this variant is currently unknown. This variant has not been reported in the literature in individuals affected with COL18A1-related conditions. This variant is not present in population databases (gnomAD no frequency). This sequence change replaces proline, which is neutral and non-polar, with arginine, which is basic and polar, at codon 881 of the COL18A1 protein (p.Pro881Arg).

NM_001379500.1(COL18A1):c.2642C>G (p.Pro881Arg)

Gene: COL18A1 (collagen type XVIII alpha 1 chain; plus strand). Cytogenetic location: 21q22.3.
Variant type: single nucleotide variant.
Coding change: c.2642C>G on transcript NM_001379500.1 (MANE Select); coding-DNA position 2642, C replaced by G.
Protein change: p.Pro881Arg; replaces proline 881 with arginine.
Molecular consequence: missense variant.
Genome position (GRCh38, 1-based): chr21:45,497,620, C>G. VCF-style: chr21-45497620-C-G. GRCh37 (hg19) VCF-style: chr21-46917534-C-G.
Other names: c.3182C>G, p.Pro1061Arg (NM_030582.4); c.3887C>G, p.Pro1296Arg (NM_130444.3); short protein forms P881R, P1296R, P1061R.
Identifiers: ClinVar variation 2065121 (VCV002065121.4), dbSNP rs1336199682, ClinGen allele CA410498175.
Genomic context (GRCh38, chr21:45,497,620, plus strand): 5'-GGCACATTCCTGATGGGCACTGGGTCTCTCTTCCTCCAGGGAATCAGGGCCCTCCAGGAC[C>G]CAAGGGCGCCAAAGGAGAAGTGGGCCCCCCCGGACCACCAGGTGAGCAACTCTGGACATC-3'
Protein context (NP_001366429.1, residues 871-891): GLPGNQGPPG[Pro881Arg]KGAKGEVGPP